The following is an entry in ClinVar:

NM_001267550.2(TTN):c.4556C>T (p.Pro1519Leu)

Genes: TTN (titin; minus strand), LOC101927055 (uncharacterized LOC101927055; plus strand). Cytogenetic location: 2q31.2.
Variant type: single nucleotide variant.
Coding change: c.4556C>T on transcript NM_001267550.2 (MANE Select); coding-DNA position 4556, C replaced by T.
Protein change: p.Pro1519Leu; replaces proline 1519 with leucine.
Molecular consequence: missense variant. On other transcripts: non-coding transcript variant (1).
Genome position (GRCh38, 1-based): chr2:178,777,509, G>A on the plus strand (C>T on the coding strand, the complement: TTN is on the minus strand). VCF-style: chr2-178777509-G-A. GRCh37 (hg19) VCF-style: chr2-179642236-G-A.
Other names: p.Pro1519Leu; c.4556C>T, p.Pro1519Leu (NM_001256850.1, NM_133378.4, NM_133379.5); c.4418C>T, p.Pro1473Leu (NM_003319.4, NM_133432.3, NM_133437.4); short protein forms P1473L, P1519L.
Identifiers: ClinVar variation 2682797 (VCV002682797.1), dbSNP rs1422993371, ClinGen allele CA349466836.

ClinVar aggregate classification (germline): Uncertain significance (1 of 4 stars; one submission).

Allele frequency attached by ClinVar (database versions not stated): TOPMed below 0.00001.

Submission:

Mayo Clinic Laboratories, Mayo Clinic
Classification: Uncertain significance. Last evaluated: 2023-02-28. Review status: criteria provided, single submitter. Criteria: ACMG Guidelines, 2015. Collection method: clinical testing. Allele origin: germline. Observed: 2 variant alleles.
Comment: PM2